The following is an entry in ClinVar:

NM_001151.4(SLC25A4):c.*1792C>A

Gene: SLC25A4 (solute carrier family 25 member 4; plus strand). Cytogenetic location: 4q35.1.
Variant type: single nucleotide variant.
Coding change: c.*1792C>A on transcript NM_001151.4 (MANE Select); 1792 bases downstream of the stop codon, C replaced by A.
Molecular consequence: 3 prime UTR variant.
Genome position (GRCh38, 1-based): chr4:185,148,763, C>A. VCF-style: chr4-185148763-C-A. GRCh37 (hg19) VCF-style: chr4-186069917-C-A.
Identifiers: ClinVar variation 348267 (VCV000348267.5), dbSNP rs3733653, ClinGen allele CA10618373.

ClinVar aggregate classification (germline): Benign (1 of 4 stars; one submission).

Conditions:
Progressive external ophthalmoplegia with mitochondrial DNA deletions, autosomal dominant 2. Also called: PROGRESSIVE EXTERNAL OPHTHALMOPLEGIA, AUTOSOMAL DOMINANT 2. Identifiers: MedGen C1836460, MONDO:0012238, OMIM 609283.

Allele frequency attached by ClinVar (database versions not stated): gnomAD 0.00213; TOPMed 0.00243; 1000 Genomes Project 30x 0.02811; 1000 Genomes Project 0.02995.

Submission:

Illumina Laboratory Services, Illumina
Classification: Benign for Progressive external ophthalmoplegia with mitochondrial DNA deletions, autosomal dominant 2. Last evaluated: 2018-01-12. Review status: criteria provided, single submitter. Criteria: ICSL Variant Classification Criteria 13 December 2019. Collection method: clinical testing. Allele origin: germline.
Comment: This variant was observed in the ICSL laboratory as part of a predisposition screen in an ostensibly healthy population. It had not been previously curated by ICSL or reported in the Human Gene Mutation Database (HGMD: prior to June 1st, 2018), and was therefore a candidate for classification through an automated scoring system. Utilizing variant allele frequency, disease prevalence and penetrance estimates, and inheritance mode, an automated score was calculated to assess if this variant is too frequent to cause the disease. Based on the score and internal cut-off values, a variant classified as benign is not then subjected to further curation. The score for this variant resulted in a classification of benign for this disease.